The following is an entry in ClinVar:

NM_017617.5(NOTCH1):c.6973C>T (p.Pro2325Ser)

Gene: NOTCH1 (notch receptor 1; minus strand). Cytogenetic location: 9q34.3.
Variant type: single nucleotide variant.
Coding change: c.6973C>T on transcript NM_017617.5 (MANE Select); coding-DNA position 6973, C replaced by T.
Protein change: p.Pro2325Ser; replaces proline 2325 with serine.
Molecular consequence: missense variant.
Genome position (GRCh38, 1-based): chr9:136,496,766, G>A on the plus strand (C>T on the coding strand, the complement: NOTCH1 is on the minus strand). VCF-style: chr9-136496766-G-A. GRCh37 (hg19) VCF-style: chr9-139391218-G-A.
Other names: short protein forms P2325S.
Identifiers: ClinVar variation 4824870 (VCV004824870.1).

ClinVar aggregate classification (germline): Uncertain significance (1 of 4 stars; one submission).

Conditions:
Familial thoracic aortic aneurysm and aortic dissection (TAAD). Also called: Thoracic aortic aneurysms and dissections. Identifiers: Orphanet 91387, MedGen C4707243, MONDO:0019625.

gnomAD v4.1: 3 of 1,612,882 alleles (0.00019%); highest among the groups gnomAD compares: Non-Finnish European, 0.00025%; no homozygotes.

Submission:

Ambry Genetics
Classification: Uncertain significance for Familial thoracic aortic aneurysm and aortic dissection. Last evaluated: 2026-02-14. Review status: criteria provided, single submitter. Criteria: Ambry Variant Classification Scheme 2023. Collection method: clinical testing. Allele origin: germline.
Comment: The p.P2325S variant (also known as c.6973C>T), located in coding exon 34 of the NOTCH1 gene, results from a C to T substitution at nucleotide position 6973. The proline at codon 2325 is replaced by serine, an amino acid with similar properties. This amino acid position is conserved. In addition, this alteration is predicted to be tolerated by in silico analysis. Based on the available evidence, the clinical significance of this variant remains unclear.